The following is an entry in ClinVar:

NM_020822.3(KCNT1):c.1834C>T (p.Pro612Ser)

Gene: KCNT1 (potassium sodium-activated channel subfamily T member 1; plus strand). Cytogenetic location: 9q34.3.
Variant type: single nucleotide variant.
Coding change: c.1834C>T on transcript NM_020822.3 (MANE Select); coding-DNA position 1834, C replaced by T.
Protein change: p.Pro612Ser; replaces proline 612 with serine.
Molecular consequence: missense variant.
Genome position (GRCh38, 1-based): chr9:135,770,921, C>T. VCF-style: chr9-135770921-C-T. GRCh37 (hg19) VCF-style: chr9-138662767-C-T.
Other names: c.1699C>T, p.Pro567Ser (NM_001272003.2); short protein forms P567S, P612S.
Identifiers: ClinVar variation 649983 (VCV000649983.11), dbSNP rs1330106369, ClinGen allele CA375508179.

ClinVar aggregate classification (germline): Uncertain significance (1 of 4 stars; one submission).

Conditions:
Autosomal dominant nocturnal frontal lobe epilepsy 5. Also called: Epilepsy, nocturnal frontal lobe, 5; KCNT1-Related Epilepsy; CILIARY DYSKINESIA, PRIMARY, 28, WITHOUT SITUS INVERSUS; CILIARY DYSKINESIA, PRIMARY, 28, WITH SITUS INVERSUS. Identifiers: Orphanet 98784, MedGen C3554306, MONDO:0014002, OMIM 615005.
Developmental and epileptic encephalopathy, 14 (DEE14). Also called: Early infantile epileptic encephalopathy 14. Identifiers: Orphanet 293181, MedGen C3554195, MONDO:0013989, OMIM 614959.

Allele frequency attached by ClinVar (database versions not stated): TOPMed below 0.00001; gnomAD exomes 0.00001.
gnomAD v4.1: 3 of 1,611,398 alleles (0.00019%); highest among the groups gnomAD compares: Admixed American, 0.005%; no homozygotes.

Submission:

Labcorp Genetics (formerly Invitae), Labcorp
Classification: Uncertain significance for Autosomal dominant nocturnal frontal lobe epilepsy 5; Developmental and epileptic encephalopathy, 14. Last evaluated: 2024-04-15. Review status: criteria provided, single submitter. Criteria: Invitae Variant Classification Sherloc (09022015). Collection method: clinical testing. Allele origin: germline.
Comment: This sequence change replaces proline, which is neutral and non-polar, with serine, which is neutral and polar, at codon 612 of the KCNT1 protein (p.Pro612Ser). This variant is present in population databases (no rsID available, gnomAD 0.006%). This variant has not been reported in the literature in individuals affected with KCNT1-related conditions. ClinVar contains an entry for this variant (Variation ID: 649983). Advanced modeling of protein sequence and biophysical properties (such as structural, functional, and spatial information, amino acid conservation, physicochemical variation, residue mobility, and thermodynamic stability) performed at Invitae indicates that this missense variant is not expected to disrupt KCNT1 protein function with a negative predictive value of 80%. In summary, the available evidence is currently insufficient to determine the role of this variant in disease. Therefore, it has been classified as a Variant of Uncertain Significance.